The following is an entry in ClinVar:

ClinVar aggregate classification (germline): Uncertain significance (1 of 4 stars; one submission).

Conditions:
Inborn genetic diseases. Identifiers: MedGen C0950123, MeSH D030342.

Submission:

Ambry Genetics
Classification: Uncertain significance for Inborn genetic diseases. Last evaluated: 2025-11-15. Review status: criteria provided, single submitter. Criteria: Ambry Variant Classification Scheme 2023. Collection method: clinical testing. Allele origin: germline.
Comment: The p.S1179T variant (also known as c.3536G>C), located in coding exon 33 of the RTEL1 gene, results from a G to C substitution at nucleotide position 3536. The serine at codon 1179 is replaced by threonine, an amino acid with similar properties. This amino acid position is conserved. In addition, this alteration is predicted to be tolerated by in silico analysis. Based on the available evidence, the clinical significance of this variant remains unclear.

NM_001283009.2(RTEL1):c.3536G>C (p.Ser1179Thr)

Genes: RTEL1 (regulator of telomere elongation helicase 1; plus strand), RTEL1-TNFRSF6B (RTEL1-TNFRSF6B readthrough (NMD candidate); plus strand). Cytogenetic location: 20q13.33.
Variant type: single nucleotide variant.
Coding change: c.3536G>C on transcript NM_001283009.2 (MANE Select); coding-DNA position 3536, G replaced by C.
Protein change: p.Ser1179Thr; replaces serine 1179 with threonine.
Molecular consequence: missense variant. On other transcripts: non-coding transcript variant (1).
Genome position (GRCh38, 1-based): chr20:63,695,364, G>C. VCF-style: chr20-63695364-G-C. GRCh37 (hg19) VCF-style: chr20-62326717-G-C.
Other names: c.2867G>C, p.Ser956Thr (NM_001283010.1); c.3536G>C, p.Ser1179Thr (NM_016434.4); c.3608G>C, p.Ser1203Thr (NM_032957.5); short protein forms S1203T, S1179T, S956T.
Identifiers: ClinVar variation 4629610 (VCV004629610.1).